The following is an entry in ClinVar:

NM_001365951.3(KIF1B):c.2353AAG[1] (p.Lys786del)

Gene: KIF1B (kinesin family member 1B; plus strand). Cytogenetic location: 1p36.22.
Variant type: Microsatellite.
Coding change: c.2353AAG[1] on transcript NM_001365951.3 (MANE Select); one copy of the 3-base unit AAG starting at c.2353; the reference has two copies in a row; one copy, 3 bases deleted.
Protein change: p.Lys786del; deletes lysine 786.
Molecular consequence: inframe deletion.
Genome position (GRCh38, 1-based): chr1:10,321,855-10,321,857, AAG deleted; deleting any 3 consecutive bases within chr1:10,321,852-10,321,857 gives the same sequence; the position shown is the placement nearest the transcript's 3' end. VCF-style (leftmost placement, unchanged base first): chr1-10321851-AAAG-A. GRCh37 (hg19) VCF-style: chr1-10381909-AAAG-A.
Other names: c.2218_2220delAAG (NM_015074.3); c.2353AAG[1], p.Lys786del (NM_001365952.1); c.2215AAG[1], p.Lys740del (NM_015074.3); short protein forms K740del, K786del.
Identifiers: ClinVar variation 2563646 (VCV002563646.3), dbSNP rs2521607845, ClinGen allele CA2580611396.

ClinVar aggregate classification (germline): Uncertain significance (1 of 4 stars; one submission).

Submission:

Ambry Genetics
Classification: Uncertain significance. Last evaluated: 2025-09-19. Review status: criteria provided, single submitter. Criteria: Ambry Variant Classification Scheme 2023. Collection method: clinical testing. Allele origin: germline.
Comment: The c.2218_2220delAAG variant (also known as p.K740del) is located in coding exon 21 of the KIF1B gene. This variant results from an in-frame AAG deletion at nucleotide positions 2218 to 2220. This results in the in-frame deletion of a lysine at codon 740. This nucleotide position is well conserved in available vertebrate species. This amino acid position is highly conserved in available vertebrate species. In silico splice site analysis predicts that this alteration will weaken the native splice donor site and will result in the creation or strengthening of a novel splice donor site. The evidence for this gene-disease relationship is limited; therefore, the clinical significance of this alteration is unclear.